The following is an entry in ClinVar:

NM_018075.5(ANO10):c.1161G>A (p.Trp387Ter)

Gene: ANO10 (anoctamin 10; minus strand). Cytogenetic location: 3p22.1.
Variant type: single nucleotide variant.
Coding change: c.1161G>A on transcript NM_018075.5 (MANE Select); coding-DNA position 1161, G replaced by A.
Protein change: p.Trp387Ter; replaces tryptophan 387 with a stop codon.
Molecular consequence: nonsense. On other transcripts: intron variant (1).
Genome position (GRCh38, 1-based): chr3:43,576,693, C>T on the plus strand (G>A on the coding strand, the complement: ANO10 is on the minus strand). VCF-style: chr3-43576693-C-T. GRCh37 (hg19) VCF-style: chr3-43618185-C-T.
Other names: c.1161G>A, p.Trp387Ter (NM_001204831.3, NM_001346463.2, NM_001346464.2 and 3 more transcripts); c.963G>A, p.Trp321Ter (NM_001204832.3, NM_001346466.2, NM_001346469.2); c.828G>A, p.Trp276Ter (NM_001204833.3); c.593-1829G>A (NM_001204834.3); short protein forms W276*, W321*, W387*.
Identifiers: ClinVar variation 5014317 (VCV005014317.1).
Genomic context (GRCh38, chr3:43,576,693, plus strand): 5'-GATCTAGGCAACATTTCTTACAGGCAAGTAAGACGTGAATATAAAGCCTCAAGTCTTACC[C>T]CATGAAGTTAAAAACTCGGCAGCATATCGATAGAGACGATTCATGATCTCAATCACAATG-3'

ClinVar aggregate classification (germline): Pathogenic (1 of 4 stars; one submission).

Conditions:
Autosomal recessive spinocerebellar ataxia 10. Identifiers: Orphanet 284289, MedGen C3150998, MONDO:0013392, OMIM 613728.

Submission:

Myriad Genetics, Inc.
Classification: Pathogenic for Autosomal recessive spinocerebellar ataxia 10. Last evaluated: 2025-04-08. Review status: criteria provided, single submitter. Criteria: Myriad Autosomal Dominant, Autosomal Recessive and X-Linked Classification Criteria (2023). Collection method: clinical testing. Allele origin: unknown.
Comment: NM_018075.3(ANO10):c.1161G>A(W387*) is expected to be pathogenic in the context of spinocerebellar ataxia, ANO10-related. This variant is predicted to lead to an abnormal or absent protein product due to the creation of a premature termination codon in ANO10, a gene where loss-of-function variants are known to be pathogenic. Please note: this variant was assessed in the context of healthy population screening.